The following is an entry in ClinVar:

ClinVar aggregate classification (germline): Uncertain significance (1 of 4 stars; one submission).

Conditions:
Achondrogenesis, type IA (ACG1A). Identifiers: Orphanet 932, Orphanet 93299, MedGen C0265273, MONDO:0008701, OMIM 200600.

Submission:

Labcorp Genetics (formerly Invitae), Labcorp
Classification: Uncertain significance for Achondrogenesis, type IA. Last evaluated: 2023-07-07. Review status: criteria provided, single submitter. Criteria: Invitae Variant Classification Sherloc (09022015). Collection method: clinical testing. Allele origin: germline.
Comment: This sequence change replaces arginine, which is basic and polar, with threonine, which is neutral and polar, at codon 1156 of the TRIP11 protein (p.Arg1156Thr). This variant is not present in population databases (gnomAD no frequency). This variant has not been reported in the literature in individuals affected with TRIP11-related conditions. ClinVar contains an entry for this variant (Variation ID: 1468052). Advanced modeling of protein sequence and biophysical properties (such as structural, functional, and spatial information, amino acid conservation, physicochemical variation, residue mobility, and thermodynamic stability) performed at Invitae indicates that this missense variant is not expected to disrupt TRIP11 protein function. In summary, the available evidence is currently insufficient to determine the role of this variant in disease. Therefore, it has been classified as a Variant of Uncertain Significance.

NM_004239.4(TRIP11):c.3467G>C (p.Arg1156Thr)

Gene: TRIP11 (thyroid hormone receptor interactor 11; minus strand). Cytogenetic location: 14q32.12.
Variant type: single nucleotide variant.
Coding change: c.3467G>C on transcript NM_004239.4 (MANE Select); coding-DNA position 3467, G replaced by C.
Protein change: p.Arg1156Thr; replaces arginine 1156 with threonine.
Molecular consequence: missense variant.
Genome position (GRCh38, 1-based): chr14:92,004,509, C>G on the plus strand (G>C on the coding strand, the complement: TRIP11 is on the minus strand). VCF-style: chr14-92004509-C-G. GRCh37 (hg19) VCF-style: chr14-92470853-C-G.
Other names: c.3464G>C, p.Arg1155Thr (NM_001321851.1); short protein forms R1155T, R1156T.
Identifiers: ClinVar variation 1468052 (VCV001468052.8), dbSNP rs2140117119, ClinGen allele CA390652409.
Genomic context (GRCh38, chr14:92,004,509, plus strand): 5'-AGTGCATCTATTTCGATGTCTTTTTCTCGAATGATACGTGATAAATTCTGAATAGTTTCT[C>G]TAAACATATCTTGGCCACTACTTTCAAATCTAGTGGACAATTTTTTATTTTCATCTTGCA-3'
Protein context (NP_004230.2, residues 1146-1166): RFESSGQDMF[Arg1156Thr]ETIQNLSRII